The following is an entry in ClinVar:

NM_020779.4(WDR35):c.2701G>T (p.Glu901Ter)

Gene: WDR35 (WD repeat domain 35; minus strand). Cytogenetic location: 2p24.1.
Variant type: single nucleotide variant.
Coding change: c.2701G>T on transcript NM_020779.4 (MANE Select); coding-DNA position 2701, G replaced by T.
Protein change: p.Glu901Ter; replaces glutamic acid 901 with a stop codon.
Molecular consequence: nonsense.
Genome position (GRCh38, 1-based): chr2:19,932,405, C>A on the plus strand (G>T on the coding strand, the complement: WDR35 is on the minus strand). VCF-style: chr2-19932405-C-A. GRCh37 (hg19) VCF-style: chr2-20132166-C-A.
Other names: c.2734G>T, p.Glu912Ter (NM_001006657.2); short protein forms E901*, E912*.
Identifiers: ClinVar variation 1978470 (VCV001978470.4), dbSNP rs1348813250, ClinGen allele CA345942376.

ClinVar aggregate classification (germline): Pathogenic (1 of 4 stars; one submission).

Conditions:
Cranioectodermal dysplasia 2 (CED2). Identifiers: Orphanet 1515, MedGen C3150874, MONDO:0013323, OMIM 613610.
Short-rib thoracic dysplasia 7 with or without polydactyly (SRTD7). Also called: Short rib polydactyly syndrome 5; SHORT-RIB THORACIC DYSPLASIA 7 WITH POLYDACTYLY. Identifiers: Orphanet 498497, Orphanet 93271, MedGen C3279792, MONDO:0013569, OMIM 614091.

Allele frequency attached by ClinVar (database versions not stated): TOPMed below 0.00001.

Submission:

Labcorp Genetics (formerly Invitae), Labcorp
Classification: Pathogenic for Cranioectodermal dysplasia 2; Short-rib thoracic dysplasia 7 with or without polydactyly. Last evaluated: 2022-01-17. Review status: criteria provided, single submitter. Criteria: Invitae Variant Classification Sherloc (09022015). Collection method: clinical testing. Allele origin: germline.
Comment: For these reasons, this variant has been classified as Pathogenic. This variant has not been reported in the literature in individuals affected with WDR35-related conditions. This variant is not present in population databases (gnomAD no frequency). This sequence change creates a premature translational stop signal (p.Glu912*) in the WDR35 gene. It is expected to result in an absent or disrupted protein product. Loss-of-function variants in WDR35 are known to be pathogenic (PMID: 22486404, 29068549).

Literature cited by the submitters: PubMed 22486404; PubMed 29068549.